The following is an entry in ClinVar:

ClinVar aggregate classification (germline): Uncertain significance (1 of 4 stars; one submission).

Allele frequency attached by ClinVar (database versions not stated): TOPMed below 0.00001.

Submission:

GeneDx
Classification: Uncertain significance. Last evaluated: 2022-08-27. Review status: criteria provided, single submitter. Criteria: GeneDx Variant Classification Process June 2021. Collection method: clinical testing. Allele origin: germline. Affected: yes.
Comment: Not observed at significant frequency in large population cohorts (gnomAD); Frameshift variant predicted to result in protein truncation as the last 13 amino acids are replaced with 18 different amino acids, although loss-of-function variants have not been reported downstream of this position in the protein; Has not been previously published as pathogenic or benign to our knowledge

NM_014991.6(WDFY3):c.10540del (p.Gln3514fs)

Gene: WDFY3 (WD repeat and FYVE domain containing 3; minus strand). Cytogenetic location: 4q21.23.
Variant type: Deletion.
Coding change: c.10540del on transcript NM_014991.6 (MANE Select); coding-DNA position 10540, one base deleted (C; older notation c.10540delC).
Protein change: p.Gln3514fs; shifts the reading frame from glutamine 3514.
Molecular consequence: frameshift variant.
Genome position (GRCh38, 1-based): chr4:84,672,909, G deleted on the plus strand (C on the coding strand, the reverse complement: WDFY3 is on the minus strand). VCF-style (leftmost placement, unchanged base first): chr4-84672908-TG-T. GRCh37 (hg19) VCF-style: chr4-85594061-TG-T.
Other names: short protein forms Q3514fs.
Identifiers: ClinVar variation 2431020 (VCV002431020.1), dbSNP rs1725645368, ClinGen allele CA1473347750.